The following is an entry in ClinVar:

NM_025114.4(CEP290):c.2349T>G (p.Tyr783Ter)

Gene: CEP290 (centrosomal protein 290; minus strand). Cytogenetic location: 12q21.32.
Variant type: single nucleotide variant.
Coding change: c.2349T>G on transcript NM_025114.4 (MANE Select); coding-DNA position 2349, T replaced by G.
Protein change: p.Tyr783Ter; replaces tyrosine 783 with a stop codon.
Molecular consequence: nonsense.
Genome position (GRCh38, 1-based): chr12:88,111,220, A>C on the plus strand (T>G on the coding strand, the complement: CEP290 is on the minus strand). VCF-style: chr12-88111220-A-C. GRCh37 (hg19) VCF-style: chr12-88504997-A-C.
Other names: short protein forms Y783*.
Identifiers: ClinVar variation 5013609 (VCV005013609.1).

ClinVar aggregate classification (germline): Pathogenic (1 of 4 stars; one submission).

Conditions:
CEP290-related ciliopathy. Also called: CEP290 ciliopathy. Identifiers: MedGen CN305601, MONDO:0100451.

Submission:

Myriad Genetics, Inc.
Classification: Pathogenic for CEP290-related ciliopathy. Last evaluated: 2024-10-04. Review status: criteria provided, single submitter. Criteria: Myriad Autosomal Dominant, Autosomal Recessive and X-Linked Classification Criteria (2023). Collection method: clinical testing. Allele origin: unknown.
Comment: NM_025114.3(CEP290):c.2349T>G(Y783*) is expected to be pathogenic in the context of CEP290-related disorders. This variant is predicted to lead to an abnormal or absent protein product due to the creation of a premature termination codon in CEP290, a gene where loss-of-function variants are known to be pathogenic. Please note: this variant was assessed in the context of healthy population screening.